The following is an entry in ClinVar:

NM_000548.5(TSC2):c.3086T>G (p.Met1029Arg)

Gene: TSC2 (TSC complex subunit 2; plus strand). Cytogenetic location: 16p13.3.
Variant type: single nucleotide variant.
Coding change: c.3086T>G on transcript NM_000548.5 (MANE Select); coding-DNA position 3086, T replaced by G.
Protein change: p.Met1029Arg; replaces methionine 1029 with arginine.
Molecular consequence: missense variant. On other transcripts: non-coding transcript variant (5).
Genome position (GRCh38, 1-based): chr16:2,079,151, T>G. VCF-style: chr16-2079151-T-G. GRCh37 (hg19) VCF-style: chr16-2129152-T-G.
Other names: c.2954T>G, p.Met985Arg (NM_001077183.3, NM_001370404.1, NM_001406665.1); c.3086T>G, p.Met1029Arg (NM_001114382.3); c.2846T>G, p.Met949Arg (NM_001318827.2); c.2810T>G, p.Met937Arg (NM_001318829.2); c.2354T>G, p.Met785Arg (NM_001318831.2, NM_001406687.1, NM_001406688.1); c.2987T>G, p.Met996Arg (NM_001318832.2); c.2957T>G, p.Met986Arg (NM_001363528.2, NM_001370405.1, NM_021055.3); c.3083T>G, p.Met1028Arg (NM_001406663.1, NM_001406664.1); and 18 more; short protein forms M832R, M966R, M992R, M1015R, M1029R, M786R, M936R, M937R.
Identifiers: ClinVar variation 2754808 (VCV002754808.4), dbSNP rs1057522974, ClinGen allele CA394284643.
Genomic context (GRCh38, chr16:2,079,151, plus strand): 5'-CCCAGGCTGACGATAGCCTGAAAAACCTCCACCTGGAGCTCACGGAAACCTGTCTGGACA[T>G]GATGGCTCGATACGTCTTCTCCAACTTCACGGCTGTCCCGAAGAGGTCCAGGCGGCACTA-3'
Protein context (NP_000539.2, residues 1019-1039): HLELTETCLD[Met1029Arg]MARYVFSNFT

ClinVar aggregate classification (germline): Likely pathogenic. Review status: criteria provided, multiple submitters, no conflicts (2 of 4 stars). 2 submissions from 2 submitters: Likely pathogenic (2). Last evaluated 2023-09-13.

Conditions:
TSC2-related disorder. Also called: TSC2-related condition; TSC2-Related Disorders.
Tuberous sclerosis 2 (TSC2). Identifiers: Orphanet 805, MedGen C1860707, MONDO:0013199, OMIM 613254.

Submissions (2):

Labcorp Genetics (formerly Invitae), Labcorp
Classification: Likely pathogenic for Tuberous sclerosis 2. Last evaluated: 2023-09-13. Review status: criteria provided, single submitter. Criteria: Invitae Variant Classification Sherloc (09022015). Collection method: clinical testing. Allele origin: germline.
Comment: In summary, the currently available evidence indicates that the variant is pathogenic, but additional data are needed to prove that conclusively. Therefore, this variant has been classified as Likely Pathogenic. Advanced modeling of protein sequence and biophysical properties (such as structural, functional, and spatial information, amino acid conservation, physicochemical variation, residue mobility, and thermodynamic stability) has been performed at Invitae for this missense variant, however the output from this modeling did not meet the statistical confidence thresholds required to predict the impact of this variant on TSC2 protein function. This missense change has been observed in individual(s) with clinical features of tuberous sclerosis complex (Invitae). In at least one individual the variant was observed to be de novo. This variant is not present in population databases (gnomAD no frequency). This sequence change replaces methionine, which is neutral and non-polar, with arginine, which is basic and polar, at codon 1029 of the TSC2 protein (p.Met1029Arg).

Blueprint Genetics
Classification: Likely pathogenic for TSC2-related disorders. Last evaluated: 2021-04-27. Review status: criteria provided, single submitter. Criteria: ACMG Guidelines, 2015. Collection method: clinical testing. Allele origin: germline. Affected: yes. Observed: 1 variant allele.